The following is an entry in ClinVar:

NM_001351132.2(PEX5):c.-17+188T>C

Gene: PEX5 (peroxisomal biogenesis factor 5; plus strand). Cytogenetic location: 12p13.31.
Variant type: single nucleotide variant.
Coding change: c.-17+188T>C on transcript NM_001351132.2 (MANE Select); 188 bases into the intron after 17 bases upstream of the start codon, T replaced by C.
Molecular consequence: intron variant. On other transcripts: 5 prime UTR variant (8).
Genome position (GRCh38, 1-based): chr12:7,189,938, T>C. VCF-style: chr12-7189938-T-C. GRCh37 (hg19) VCF-style: chr12-7342534-T-C.
Other names: c.-295T>C (NM_001131025.2, NM_001351130.3); c.-59T>C (NM_001300789.3, NM_001351135.3, NM_001351137.3); c.-440T>C (NM_001374647.2, NM_001374648.2, NM_001374649.2); c.-16-424T>C (NM_001351124.3); c.-211-84T>C (NM_001131026.2, NM_001351133.2, NM_001351127.2 and 1 more transcripts); c.-17+407T>C (NM_001351131.2, NM_001351126.2); c.-17+188T>C (NM_001374646.1, NM_001131023.2, NM_001351138.2 and 4 more transcripts); c.-90+188T>C (NM_001351134.2, NM_001351128.2); and 1 more.
Identifiers: ClinVar variation 310412 (VCV000310412.6), dbSNP rs186539500, ClinGen allele CA6425951.

ClinVar aggregate classification (germline): Likely benign. Review status: criteria provided, multiple submitters, no conflicts (2 of 4 stars). 2 submissions from 2 submitters: Likely benign (2). Last evaluated 2017-04-27.

Conditions:
Peroxisome biogenesis disorder 2A (Zellweger) (PBD2A). Also called: Cerebrohepatorenal syndrome, variant types. Identifiers: Orphanet 912, MedGen C3550273, MONDO:0008954, OMIM 214110.

Allele frequency attached by ClinVar (database versions not stated): gnomAD exomes 0.00117 and 0.00310; ExAC 0.00259; gnomAD 0.01233 and 0.01324; 1000 Genomes Project 0.01258; TOPMed 0.01430; 1000 Genomes Project 30x 0.01452.
gnomAD v4.1: 3,521 of 1,476,546 alleles (0.24%); highest among the groups gnomAD compares: African/African-American, 4.1%; 68 homozygotes.

Submissions (2):

Illumina Laboratory Services, Illumina
Classification: Likely benign for Peroxisome biogenesis disorder 2A (Zellweger). Last evaluated: 2017-04-27. Review status: criteria provided, single submitter. Criteria: ICSL Variant Classification Criteria 13 December 2019. Collection method: clinical testing. Allele origin: germline.
Comment: This variant was observed as part of a predisposition screen in an ostensibly healthy population. A literature search was performed for the gene, cDNA change, and amino acid change (where applicable). No publications were found based on this search. Allele frequency data from public databases allowed determination this variant is unlikely to cause disease. Therefore, this variant is classified as likely benign.

Breakthrough Genomics
Classification: Likely benign. Review status: criteria provided, single submitter. Criteria: ACMG Guidelines, 2015. Collection method: not provided. Allele origin: germline. Inheritance: Autosomal recessive inheritance. Affected: yes.